The following is an entry in ClinVar:

ClinVar aggregate classification (germline): Conflicting classifications of pathogenicity. Review status: criteria provided, conflicting classifications (1 of 4 stars). 2 submissions from 2 submitters: Uncertain significance (1); Likely benign (1). Last evaluated 2025-07-15.

Conditions:
Primary dilated cardiomyopathy (DCM). Also called: Dilated Cardiomyopathy. Identifiers: Orphanet 217604, MedGen C0007193, MeSH D002311, MONDO:0005021, HP:0001644. Inheritance: Various modes of inheritance.
Hypertrophic cardiomyopathy. Also called: HYPERTROPHIC MYOCARDIOPATHY. Identifiers: Orphanet 217569, MedGen C0007194, MeSH D002312, MONDO:0005045, HP:0001639.

Allele frequency attached by ClinVar (database versions not stated): gnomAD exomes below 0.00001; TOPMed below 0.00001; ExAC 0.00001.
gnomAD v4.1: 6 of 1,603,922 alleles (0.00037%); highest among the groups gnomAD compares: East Asian, 0.0067%; no homozygotes.

Submissions (2):

Ambry Genetics
Classification: Likely benign. Last evaluated: 2025-07-15. Review status: criteria provided, single submitter. Criteria: Ambry Variant Classification Scheme 2023. Collection method: clinical testing. Allele origin: germline.

Labcorp Genetics (formerly Invitae), Labcorp
Classification: Uncertain significance for Hypertrophic cardiomyopathy; Primary dilated cardiomyopathy. Last evaluated: 2022-07-21. Review status: criteria provided, single submitter. Criteria: Invitae Variant Classification Sherloc (09022015). Collection method: clinical testing. Allele origin: germline.
Comment: In summary, the available evidence is currently insufficient to determine the role of this variant in disease. Therefore, it has been classified as a Variant of Uncertain Significance. Algorithms developed to predict the effect of sequence changes on RNA splicing suggest that this variant is not likely to affect RNA splicing. This variant has not been reported in the literature in individuals affected with PDLIM3-related conditions. This variant is present in population databases (rs781448134, gnomAD 0.005%). This sequence change affects codon 221 of the PDLIM3 mRNA. It is a 'silent' change, meaning that it does not change the encoded amino acid sequence of the PDLIM3 protein. It affects a nucleotide within the consensus splice site.

NM_014476.6(PDLIM3):c.663C>T (p.Ser221=)

Gene: PDLIM3 (PDZ and LIM domain 3; minus strand). Cytogenetic location: 4q35.1.
Variant type: single nucleotide variant.
Coding change: c.663C>T on transcript NM_014476.6 (MANE Select); coding-DNA position 663, C replaced by T.
Protein change: p.Ser221=; no amino-acid change (serine 221 retained).
Molecular consequence: synonymous variant. On other transcripts: non-coding transcript variant (1).
Genome position (GRCh38, 1-based): chr4:185,506,652, G>A on the plus strand (C>T on the coding strand, the complement: PDLIM3 is on the minus strand). VCF-style: chr4-185506652-G-A. GRCh37 (hg19) VCF-style: chr4-186427806-G-A.
Other names: c.663C>T (NM_014476.4); c.519C>T, p.Asn173= (NM_001114107.5); c.399C>T, p.Ser133= (NM_001257962.2); c.162C>T, p.Ser54= (NM_001257963.2).
Identifiers: ClinVar variation 2059871 (VCV002059871.7), dbSNP rs781448134, ClinGen allele CA3159729.